The following is an entry in ClinVar:

NM_004336.5(BUB1):c.2140G>C (p.Ala714Pro)

Gene: BUB1 (BUB1 mitotic checkpoint serine/threonine kinase; minus strand). Cytogenetic location: 2q13.
Variant type: single nucleotide variant.
Coding change: c.2140G>C on transcript NM_004336.5 (MANE Select); coding-DNA position 2140, G replaced by C.
Protein change: p.Ala714Pro; replaces alanine 714 with proline.
Molecular consequence: missense variant.
Genome position (GRCh38, 1-based): chr2:110,650,609, C>G on the plus strand (G>C on the coding strand, the complement: BUB1 is on the minus strand). VCF-style: chr2-110650609-C-G. GRCh37 (hg19) VCF-style: chr2-111408186-C-G.
Other names: c.2080G>C, p.Ala694Pro (NM_001278616.2); c.2140G>C, p.Ala714Pro (NM_001278617.2); short protein forms A714P, A694P.
Identifiers: ClinVar variation 3483002 (VCV003483002.1).

ClinVar aggregate classification (germline): Uncertain significance (1 of 4 stars; one submission).

Submission:

Ambry Genetics
Classification: Uncertain significance. Last evaluated: 2024-10-19. Review status: criteria provided, single submitter. Criteria: Ambry Variant Classification Scheme 2023. Collection method: clinical testing. Allele origin: germline.
Comment: The p.A714P variant (also known as c.2140G>C), located in coding exon 18 of the BUB1 gene, results from a G to C substitution at nucleotide position 2140. The alanine at codon 714 is replaced by proline, an amino acid with highly similar properties. This amino acid position is conserved. In addition, this alteration is predicted to be tolerated by in silico analysis. Based on the available evidence, the clinical significance of this variant remains unclear.